The following is an entry in ClinVar:

NM_001430.5(EPAS1):c.1676C>T (p.Thr559Ile)

Gene: EPAS1 (endothelial PAS domain protein 1; plus strand). Cytogenetic location: 2p21.
Variant type: single nucleotide variant.
Coding change: c.1676C>T on transcript NM_001430.5 (MANE Select); coding-DNA position 1676, C replaced by T.
Protein change: p.Thr559Ile; replaces threonine 559 with isoleucine.
Molecular consequence: missense variant.
Genome position (GRCh38, 1-based): chr2:46,380,348, C>T. VCF-style: chr2-46380348-C-T. GRCh37 (hg19) VCF-style: chr2-46607487-C-T.
Other names: short protein forms T559I.
Identifiers: ClinVar variation 2565071 (VCV002565071.2), dbSNP rs1331769169, ClinGen allele CA346704646.

ClinVar aggregate classification (germline): Uncertain significance (1 of 4 stars; one submission).

Conditions:
Inborn genetic diseases. Identifiers: MedGen C0950123, MeSH D030342.

gnomAD v4.1: 2 of 1,614,064 alleles (0.00012%); highest among the groups gnomAD compares: Non-Finnish European, 0.00017%; no homozygotes.

Submission:

Ambry Genetics
Classification: Uncertain significance for Inborn genetic diseases. Last evaluated: 2023-05-19. Review status: criteria provided, single submitter. Criteria: Ambry Variant Classification Scheme 2023. Collection method: clinical testing. Allele origin: germline.
Comment: The p.T559I variant (also known as c.1676C>T), located in coding exon 12 of the EPAS1 gene, results from a C to T substitution at nucleotide position 1676. The threonine at codon 559 is replaced by isoleucine, an amino acid with similar properties. This amino acid position is conserved. In addition, this alteration is predicted to be tolerated by in silico analysis. Since supporting evidence is limited at this time, the clinical significance of this alteration remains unclear.